The following is an entry in ClinVar:

NM_024753.5(TTC21B):c.1964G>A (p.Arg655Gln)

Gene: TTC21B (tetratricopeptide repeat domain 21B; minus strand). Cytogenetic location: 2q24.3.
Variant type: single nucleotide variant.
Coding change: c.1964G>A on transcript NM_024753.5 (MANE Select); coding-DNA position 1964, G replaced by A.
Protein change: p.Arg655Gln; replaces arginine 655 with glutamine.
Molecular consequence: missense variant.
Genome position (GRCh38, 1-based): chr2:165,915,375, C>T on the plus strand (G>A on the coding strand, the complement: TTC21B is on the minus strand). VCF-style: chr2-165915375-C-T. GRCh37 (hg19) VCF-style: chr2-166771885-C-T.
Other names: c.1964G>A (NM_024753.4); short protein forms R655Q.
Identifiers: ClinVar variation 1440468 (VCV001440468.6), dbSNP rs748141161, ClinGen allele CA1941965.
Genomic context (GRCh38, chr2:165,915,375, plus strand): 5'-CTTAAAGCCCGTTCAATATCTCCTTGGGCTAGAGCAAGGTCTGCATTAGCAATGGTAACC[C>T]GCACTTCTTCAGATGTTCCAGAAAATTCATGGATGGCATCTTGTAAAACTTTGGTTGCCT-3'
Protein context (NP_079029.3, residues 645-665): HEFSGTSEEV[Arg655Gln]VTIANADLAL

ClinVar aggregate classification (germline): Uncertain significance. Review status: criteria provided, multiple submitters, no conflicts (2 of 4 stars). 2 submissions from 2 submitters: Uncertain significance (2). Last evaluated 2024-10-25.

Conditions:
TTC21B-related disorder. Also called: TTC21B-related disorders; TTC21B-related condition.
Nephronophthisis. Also called: Juvenile Nephronophthisis. Identifiers: Orphanet 655, MedGen C0687120, MONDO:0019005, HP:0000090.
Jeune thoracic dystrophy. Also called: Jeune syndrome; Infantile thoracic dystrophy; Thoracic pelvic phalangeal dystrophy; Jeune's syndrome; Chondroectodermal dysplasia-like syndrome; Short-rib thoracic dysplasia. Identifiers: Orphanet 474, MedGen C0265275, MONDO:0018770.

Allele frequency attached by ClinVar (database versions not stated): ExAC 0.00001; gnomAD exomes 0.00001; gnomAD 0.00002 and 0.00004; TOPMed 0.00005.
gnomAD v4.1: 17 of 1,613,908 alleles (0.0011%); highest among the groups gnomAD compares: African/African-American, 0.011%; no homozygotes.

Submissions (2):

PreventionGenetics, part of Exact Sciences
Classification: Uncertain significance for TTC21B-related condition. Last evaluated: 2024-10-25. Review status: criteria provided, single submitter. Criteria: ACMG Guidelines, 2015. Collection method: clinical testing. Allele origin: germline.
Comment: The TTC21B c.1964G>A variant is predicted to result in the amino acid substitution p.Arg655Gln. To our knowledge, this variant has not been reported in the literature. This variant is reported in 0.012% of alleles in individuals of African descent in gnomAD. At this time, the clinical significance of this variant is uncertain due to the absence of conclusive functional and genetic evidence.

Labcorp Genetics (formerly Invitae), Labcorp
Classification: Uncertain significance for Jeune thoracic dystrophy; Nephronophthisis. Last evaluated: 2021-12-22. Review status: criteria provided, single submitter. Criteria: Invitae Variant Classification Sherloc (09022015). Collection method: clinical testing. Allele origin: germline.
Comment: This sequence change replaces arginine, which is basic and polar, with glutamine, which is neutral and polar, at codon 655 of the TTC21B protein (p.Arg655Gln). This variant is present in population databases (rs748141161, gnomAD 0.01%). This variant has not been reported in the literature in individuals affected with TTC21B-related conditions. Algorithms developed to predict the effect of missense changes on protein structure and function are either unavailable or do not agree on the potential impact of this missense change (SIFT: "Tolerated"; PolyPhen-2: "Probably Damaging"; Align-GVGD: "Class C0"). In summary, the available evidence is currently insufficient to determine the role of this variant in disease. Therefore, it has been classified as a Variant of Uncertain Significance.